The following is an entry in ClinVar:

NM_001365536.1(SCN9A):c.2308G>C (p.Glu770Gln)

Genes: SCN1A-AS1 (SCN1A and SCN9A antisense RNA 1; plus strand), SCN9A (sodium voltage-gated channel alpha subunit 9; minus strand). Cytogenetic location: 2q24.3.
Variant type: single nucleotide variant.
Coding change: c.2308G>C on transcript NM_001365536.1 (MANE Select); coding-DNA position 2308, G replaced by C.
Protein change: p.Glu770Gln; replaces glutamic acid 770 with glutamine.
Molecular consequence: missense variant.
Genome position (GRCh38, 1-based): chr2:166,280,392, C>G on the plus strand (G>C on the coding strand, the complement: SCN9A is on the minus strand). VCF-style: chr2-166280392-C-G. GRCh37 (hg19) VCF-style: chr2-167136902-C-G.
Other names: c.2275G>C, p.Glu759Gln (NM_002977.4); short protein forms E759Q, E770Q.
Identifiers: ClinVar variation 2132543 (VCV002132543.4), dbSNP rs759899956, ClinGen allele CA349079482.
Genomic context (GRCh38, chr2:166,280,392, plus strand): 5'-ACATAACACACAATAAGAGACTTACCAAATTTCCTATAGCAAGTACATTTTTGAATTCCT[C>G]AGTCATTGGGTGGTGTTCCATAGCCATAAATAATGTGTTTAAAACTATGCAAATGGTAAT-3'
Protein context (NP_001352465.1, residues 760-780): FMAMEHHPMT[Glu770Gln]EFKNVLAIGN

ClinVar aggregate classification (germline): Uncertain significance (1 of 4 stars; one submission).

Conditions:
Neuropathy, hereditary sensory and autonomic, type 2A (HSAN2A). Also called: ACROOSTEOLYSIS, GIACCAI TYPE; ACROOSTEOLYSIS, NEUROGENIC; MORVAN DISEASE; NEUROPATHY, CONGENITAL SENSORY; NEUROPATHY, HEREDITARY SENSORY RADICULAR, AUTOSOMAL RECESSIVE; NEUROPATHY, HEREDITARY SENSORY, TYPE IIA. Identifiers: Orphanet 970, MedGen C2752089, MONDO:0024309, OMIM 201300.
Generalized epilepsy with febrile seizures plus, type 7 (GEFSP7). Also called: GEFS+, TYPE 7. Identifiers: Orphanet 36387, MedGen C2751778, MONDO:0013470, OMIM 613863.

Allele frequency attached by ClinVar (database versions not stated): gnomAD 0.00001.

Submission:

Labcorp Genetics (formerly Invitae), Labcorp
Classification: Uncertain significance for Neuropathy, hereditary sensory and autonomic, type 2A; Generalized epilepsy with febrile seizures plus, type 7. Last evaluated: 2022-05-01. Review status: criteria provided, single submitter. Criteria: Invitae Variant Classification Sherloc (09022015). Collection method: clinical testing. Allele origin: germline.
Comment: This sequence change replaces glutamic acid, which is acidic and polar, with glutamine, which is neutral and polar, at codon 759 of the SCN9A protein (p.Glu759Gln). In summary, the available evidence is currently insufficient to determine the role of this variant in disease. Therefore, it has been classified as a Variant of Uncertain Significance. Algorithms developed to predict the effect of missense changes on protein structure and function (SIFT, PolyPhen-2, Align-GVGD) all suggest that this variant is likely to be tolerated. This variant has not been reported in the literature in individuals affected with SCN9A-related conditions. This variant is not present in population databases (gnomAD no frequency).